The following is an entry in ClinVar:

ClinVar aggregate classification (germline): Uncertain significance (1 of 4 stars; one submission).

Conditions:
3-methylglutaconic aciduria type 5. Also called: CARDIOMYOPATHY, DILATED, WITH ATAXIA; MGA, TYPE V; 3 alpha methylglutaconic aciduria type V; MGA 5. Identifiers: Orphanet 66634, MedGen C1857776, MONDO:0012435, OMIM 610198.

Allele frequency attached by ClinVar (database versions not stated): gnomAD 0.00002; TOPMed 0.00002; gnomAD exomes 0.00003 and 0.00004; ESP Exome Variant Server 0.00008; ExAC 0.00012.

Submission:

Labcorp Genetics (formerly Invitae), Labcorp
Classification: Uncertain significance for 3-methylglutaconic aciduria type 5. Last evaluated: 2021-08-27. Review status: criteria provided, single submitter. Criteria: Invitae Variant Classification Sherloc (09022015). Collection method: clinical testing. Allele origin: germline.
Comment: This sequence change affects the initiator methionine of the DNAJC19 mRNA. The next in-frame methionine is located at codon 26. This variant is present in population databases (rs372756221, ExAC 0.03%). This variant has not been reported in the literature in individuals affected with DNAJC19-related conditions. In summary, the available evidence is currently insufficient to determine the role of this variant in disease. Therefore, it has been classified as a Variant of Uncertain Significance.

NM_145261.4(DNAJC19):c.1A>G (p.Met1Val)

Gene: DNAJC19 (DnaJ heat shock protein family (Hsp40) member C19; minus strand). Cytogenetic location: 3q26.33.
Variant type: single nucleotide variant.
Coding change: c.1A>G on transcript NM_145261.4 (MANE Select); coding-DNA position 1, A replaced by G.
Protein change: p.Met1Val; changes the start codon (methionine 1).
Molecular consequence: missense variant, initiator codon variant. On other transcripts: 5 prime UTR variant (1), non-coding transcript variant (4).
Genome position (GRCh38, 1-based): chr3:180,989,602, T>C on the plus strand (A>G on the coding strand, the complement: DNAJC19 is on the minus strand). VCF-style: chr3-180989602-T-C. GRCh37 (hg19) VCF-style: chr3-180707390-T-C.
Other names: c.-343A>G (NM_001190233.2); short protein forms M1V.
Identifiers: ClinVar variation 534676 (VCV000534676.3), dbSNP rs372756221, ClinGen allele CA2717181.